The following is an entry in ClinVar:

NM_130384.3(ATRIP):c.2138A>G (p.Gln713Arg)

Genes: ATRIP (ATR interacting protein; plus strand), ATRIP-TREX1 (ATRIP-TREX1 readthrough; plus strand). Cytogenetic location: 3p21.31.
Variant type: single nucleotide variant.
Coding change: c.2138A>G on transcript NM_130384.3 (MANE Select); coding-DNA position 2138, A replaced by G.
Protein change: p.Gln713Arg; replaces glutamine 713 with arginine.
Molecular consequence: missense variant. On other transcripts: non-coding transcript variant (1).
Genome position (GRCh38, 1-based): chr3:48,464,913, A>G. VCF-style: chr3-48464913-A-G. GRCh37 (hg19) VCF-style: chr3-48506312-A-G.
Other names: c.1757A>G, p.Gln586Arg (NM_001271022.2); c.1859A>G, p.Gln620Arg (NM_001271023.2); c.2057A>G, p.Gln686Arg (NM_032166.4); short protein forms Q686R, Q620R, Q586R, Q713R.
Identifiers: ClinVar variation 3464480 (VCV003464480.1).

ClinVar aggregate classification (germline): Uncertain significance (1 of 4 stars; one submission).

gnomAD v4.1: 7 of 1,614,160 alleles (0.00043%); highest among the groups gnomAD compares: African/African-American, 0.0013%; no homozygotes.

Submission:

Ambry Genetics
Classification: Uncertain significance. Last evaluated: 2024-11-24. Review status: criteria provided, single submitter. Criteria: Ambry Variant Classification Scheme 2023. Collection method: clinical testing. Allele origin: germline.
Comment: The p.Q713R variant (also known as c.2138A>G), located in coding exon 12 of the ATRIP gene, results from an A to G substitution at nucleotide position 2138. The glutamine at codon 713 is replaced by arginine, an amino acid with highly similar properties. This amino acid position is conserved. In addition, this alteration is predicted to be tolerated by in silico analysis. Based on the available evidence, the clinical significance of this variant remains unclear.